The following is an entry in ClinVar:

NM_206933.4(USH2A):c.5614delinsTTAACTTGGCAT (p.Ala1872fs)

Genes: USH2A (usherin; minus strand), USH2A-AS2 (USH2A antisense RNA 2; plus strand). Cytogenetic location: 1q41.
Variant type: Indel.
Coding change: c.5614delinsTTAACTTGGCAT on transcript NM_206933.4 (MANE Select); coding-DNA position 5614, G replaced by TTAACTTGGCAT.
Protein change: p.Ala1872fs; shifts the reading frame from alanine 1872.
Molecular consequence: frameshift variant.
Genome position (GRCh38, 1-based): chr1:216,073,259, C replaced by ATGCCAAGTTAA on the plus strand (G replaced by TTAACTTGGCAT on the coding strand, the reverse complement: USH2A is on the minus strand). VCF-style: chr1-216073259-C-ATGCCAAGTTAA. GRCh37 (hg19) VCF-style: chr1-216246601-C-ATGCCAAGTTAA.
Other names: c.5614delGinsTTAACTTGGCAT (NM_206933.2, NM_206933.3); c.5614delinsTTAACTTGGCAT (NM_206933.3); short protein forms A1872fs.
Identifiers: ClinVar variation 224746 (VCV000224746.18), dbSNP rs869312180, ClinGen allele CA354057.

ClinVar aggregate classification (germline): Pathogenic. Review status: criteria provided, multiple submitters, no conflicts (2 of 4 stars). 8 submissions from 8 submitters: Pathogenic (7). 1 of the submissions does not count toward it. Last evaluated 2025-05-22.

Conditions:
USH2A-related disorder. Also called: USH2A-related disorders; USH2A-related condition. Identifiers: MedGen CN239332.
Retinitis pigmentosa 39 (RP39). Identifiers: Orphanet 791, MedGen C3151138, MONDO:0013436, OMIM 613809.
Usher syndrome type 2A. Also called: RETINAL DISEASE IN USHER SYNDROME TYPE IIA, MODIFIER OF; USHER SYNDROME, TYPE IIA. Identifiers: Orphanet 231178, Orphanet 886, MedGen C1848634, MONDO:0010169, OMIM 276901.

Submissions (8):

Revvity Omics, Revvity
Classification: Pathogenic. Last evaluated: 2025-05-22. Review status: criteria provided, single submitter. Criteria: ACMG Guidelines, 2015. Collection method: clinical testing. Allele origin: germline.

Natera, Inc.
Classification: Pathogenic for Usher syndrome type 2A. Last evaluated: 2024-12-26. Review status: criteria provided, single submitter. Criteria: Natera Variant Classification Schema (03/2026). Collection method: clinical testing. Allele origin: germline.
Comment: The c.5614delGinsTTAACTTGGCAT variant in USH2A is a frameshift variant predicted to shift the reading frame beginning at codon 1872 and leads to a stop codon 64 codons downstream. This variant is expected to result in nonsense mediated decay, truncation, or a dysfunctional protein product. This variant is rare in the general population with a frequency below the threshold expected for the associated phenotype(s). This variant has been observed in one or more individuals affected with the associated recessive disease, as either homozygous or compound heterozygous with a second variant (PMID: 32176120). Given the available evidence, this variant is classified as Pathogenic.

Greenwood Genetic Center Diagnostic Laboratories, Greenwood Genetic Center
Classification: Pathogenic for Usher syndrome type 2A. Last evaluated: 2024-06-18. Review status: criteria provided, single submitter. Criteria: ACMG Guidelines, 2015. Collection method: clinical testing. Allele origin: germline. Affected: yes.
Comment: PVS1, PM2, PM3

Genome-Nilou Lab
Classification: Pathogenic for Retinitis pigmentosa 39. Last evaluated: 2023-11-04. Review status: criteria provided, single submitter. Criteria: ACMG Guidelines, 2015. Collection method: clinical testing. Allele origin: germline. Affected: no.

GeneDx
Classification: Pathogenic. Last evaluated: 2023-03-01. Review status: criteria provided, single submitter. Criteria: GeneDx Variant Classification Process June 2021. Collection method: clinical testing. Allele origin: germline. Affected: yes.
Comment: Frameshift variant predicted to result in protein truncation or nonsense mediated decay in a gene for which loss-of-function is a known mechanism of disease; Not observed at significant frequency in large population cohorts (gnomAD); This variant is associated with the following publications: (PMID: 26872967, 22135276, 31836858, 32176120)

Labcorp Genetics (formerly Invitae), Labcorp
Classification: Pathogenic. Last evaluated: 2022-10-07. Review status: criteria provided, single submitter. Criteria: Invitae Variant Classification Sherloc (09022015). Collection method: clinical testing. Allele origin: germline.
Comment: This sequence change creates a premature translational stop signal (p.Ala1872Leufs*64) in the USH2A gene. It is expected to result in an absent or disrupted protein product. Loss-of-function variants in USH2A are known to be pathogenic (PMID: 10729113, 10909849, 20507924, 25649381). This variant is not present in population databases (gnomAD no frequency). This premature translational stop signal has been observed in individual(s) with clinical features of USH2A-related conditions (PMID: 26872967). ClinVar contains an entry for this variant (Variation ID: 1069610). For these reasons, this variant has been classified as Pathogenic.

Victorian Clinical Genetics Services, Murdoch Childrens Research Institute
Classification: Pathogenic for Retinitis pigmentosa 39. Last evaluated: 2022-06-24. Review status: criteria provided, single submitter. Criteria: ACMG Guidelines, 2015. Collection method: clinical testing. Allele origin: germline. Inheritance: Autosomal recessive inheritance.
Comment: Based on the classification scheme VCGS_Germline_v1.3.4, this variant is classified as Pathogenic. Following criteria are met: 0102 - Loss of function is a known mechanism of disease in this gene and is associated with retinitis pigmentosa 39 (MIM#613809) and Usher syndrome, type 2A (MIM#276901). (I) 0106 - This gene is associated with autosomal recessive disease. (I) 0201 - Variant is predicted to cause nonsense-mediated decay (NMD) and loss of protein (premature termination codon is located at least 54 nucleotides upstream of the final exon-exon junction). (SP) 0251 - This variant is heterozygous. (I) 0304 - Variant is present in gnomAD <0.01 for a recessive condition (v3) (1 heterozygote, 0 homozygotes). (SP) 0801 - This variant has strong previous evidence of pathogenicity in unrelated individuals. This variant has been reported three times as pathogenic or likely pathogenic in ClinVar. It has also been reported in a patient with congenital/prelingual sensorineural hearing loss and retinitis pigmentosa (classic USH2) where a second loss-of-function variant was also identified on the other allele (PMID: 32176120). (SP) 0701 - Other NMD predicted variants comparable to the one identified in this case have very strong previous evidence for pathogenicity (ClinVar). (SP) Legend: (SP) - Supporting pathogenic, (I) - Information, (SB) - Supporting benign

Centre for Genomic Medicine, Manchester, Central Manchester University Hospitals
Classification: Likely pathogenic for Usher syndrome type 2A. Last evaluated: 2015-03-03. Review status: no assertion criteria provided. Collection method: clinical testing. Allele origin: germline. Affected: yes. Not counted in ClinVar's aggregate classification.

Literature cited by the submitters: PubMed 32176120 (cited by Natera, Inc. and Victorian Clinical Genetics Services, Murdoch Childrens Research Institute); PubMed 10729113 (cited by Labcorp Genetics (formerly Invitae), Labcorp); PubMed 10909849 (cited by Labcorp Genetics (formerly Invitae), Labcorp); PubMed 20507924 (cited by Labcorp Genetics (formerly Invitae), Labcorp); PubMed 25649381 (cited by Labcorp Genetics (formerly Invitae), Labcorp); PubMed 26872967 (cited by Labcorp Genetics (formerly Invitae), Labcorp and Centre for Genomic Medicine, Manchester, Central Manchester University Hospitals).